The following is an entry in ClinVar:

NM_024675.4(PALB2):c.1804C>G (p.Gln602Glu)

Gene: PALB2 (partner and localizer of BRCA2; minus strand). Cytogenetic location: 16p12.2.
Variant type: single nucleotide variant.
Coding change: c.1804C>G on transcript NM_024675.4 (MANE Select); coding-DNA position 1804, C replaced by G.
Protein change: p.Gln602Glu; replaces glutamine 602 with glutamic acid.
Molecular consequence: missense variant.
Genome position (GRCh38, 1-based): chr16:23,630,350, G>C on the plus strand (C>G on the coding strand, the complement: PALB2 is on the minus strand). VCF-style: chr16-23630350-G-C. GRCh37 (hg19) VCF-style: chr16-23641671-G-C.
Other names: short protein forms Q602E.
Identifiers: ClinVar variation 233541 (VCV000233541.18), dbSNP rs876660475, ClinGen allele CA10579997.

ClinVar aggregate classification (germline): Conflicting classifications of pathogenicity. Review status: criteria provided, conflicting classifications (1 of 4 stars). 4 submissions from 4 submitters: Uncertain significance (3); Likely benign (1). Last evaluated 2025-04-03.

Conditions:
Hereditary cancer-predisposing syndrome. Also called: Neoplastic Syndromes, Hereditary; Tumor predisposition; Hereditary Cancer Syndrome; Hereditary neoplastic syndrome. Identifiers: Orphanet 140162, MedGen C0027672, MeSH D009386, MONDO:0015356.
Familial cancer of breast. Also called: BREAST CANCER, FAMILIAL; hereditary breast carcinoma; Hereditary breast cancer. Identifiers: Orphanet 227535, MedGen C0346153, MONDO:0016419, OMIM 114480. Disease mechanism: loss of function.

Submissions (4):

GeneDx
Classification: Uncertain significance. Last evaluated: 2025-04-03. Review status: criteria provided, single submitter. Criteria: GeneDx Variant Classification Process June 2021. Collection method: clinical testing. Allele origin: germline. Affected: yes.
Comment: Not observed at significant frequency in large population cohorts (gnomAD); In silico analysis indicates that this missense variant does not alter protein structure/function; Has not been previously published as pathogenic or benign to our knowledge

Labcorp Genetics (formerly Invitae), Labcorp
Classification: Uncertain significance for Familial cancer of breast. Last evaluated: 2024-11-05. Review status: criteria provided, single submitter. Criteria: Invitae Variant Classification Sherloc (09022015). Collection method: clinical testing. Allele origin: germline.
Comment: This sequence change replaces glutamine, which is neutral and polar, with glutamic acid, which is acidic and polar, at codon 602 of the PALB2 protein (p.Gln602Glu). This variant is not present in population databases (gnomAD no frequency). This variant has not been reported in the literature in individuals affected with PALB2-related conditions. ClinVar contains an entry for this variant (Variation ID: 233541). Invitae Evidence Modeling of protein sequence and biophysical properties (such as structural, functional, and spatial information, amino acid conservation, physicochemical variation, residue mobility, and thermodynamic stability) indicates that this missense variant is not expected to disrupt PALB2 protein function with a negative predictive value of 80%. In summary, the available evidence is currently insufficient to determine the role of this variant in disease. Therefore, it has been classified as a Variant of Uncertain Significance.

Ambry Genetics
Classification: Likely benign for Hereditary cancer-predisposing syndrome. Last evaluated: 2024-03-21. Review status: criteria provided, single submitter. Criteria: Ambry Variant Classification Scheme 2023. Collection method: clinical testing. Allele origin: germline.

Color Diagnostics, LLC DBA Color Health
Classification: Uncertain significance for Hereditary cancer-predisposing syndrome. Last evaluated: 2018-07-22. Review status: criteria provided, single submitter. Criteria: ACMG Guidelines, 2015. Collection method: clinical testing. Allele origin: germline.